The following is an entry in ClinVar:

ClinVar aggregate classification (germline): Benign. Review status: criteria provided, multiple submitters, no conflicts (2 of 4 stars). 7 submissions from 7 submitters: Benign (7). Last evaluated 2026-02-04.

Conditions:
Argininosuccinate lyase deficiency. Also called: ARGININOSUCCINIC ACID LYASE DEFICIENCY; ASL DEFICIENCY; Argininosuccinic aciduria. Identifiers: Orphanet 23, MedGen C0268547, MONDO:0008815, OMIM 207900, HP:0025630.

Allele frequency attached by ClinVar (database versions not stated): ESP Exome Variant Server 0.03457; 1000 Genomes Project 30x 0.04201; TOPMed 0.04253; gnomAD 0.04315 and 0.04406; 1000 Genomes Project 0.04433; gnomAD exomes 0.05126; ExAC 0.06173.
gnomAD v4.1: 73,912 of 1,563,968 alleles (4.7%); highest among the groups gnomAD compares: East Asian, 11%; 2,068 homozygotes.

Submissions (7):

Labcorp Genetics (formerly Invitae), Labcorp
Classification: Benign for Argininosuccinate lyase deficiency. Last evaluated: 2026-02-04. Review status: criteria provided, single submitter. Criteria: Invitae Variant Classification Sherloc (09022015). Collection method: clinical testing. Allele origin: germline.

Genome-Nilou Lab
Classification: Benign for Argininosuccinate lyase deficiency. Last evaluated: 2021-07-01. Review status: criteria provided, single submitter. Criteria: ACMG Guidelines, 2015. Collection method: clinical testing. Allele origin: germline. Affected: no.

Illumina Laboratory Services, Illumina
Classification: Benign for Argininosuccinate lyase deficiency. Last evaluated: 2018-01-12. Review status: criteria provided, single submitter. Criteria: ICSL Variant Classification Criteria 13 December 2019. Collection method: clinical testing. Allele origin: germline.
Comment: This variant was observed in the ICSL laboratory as part of a predisposition screen in an ostensibly healthy population. It had not been previously curated by ICSL or reported in the Human Gene Mutation Database (HGMD: prior to June 1st, 2018), and was therefore a candidate for classification through an automated scoring system. Utilizing variant allele frequency, disease prevalence and penetrance estimates, and inheritance mode, an automated score was calculated to assess if this variant is too frequent to cause the disease. Based on the score and internal cut-off values, a variant classified as benign is not then subjected to further curation. The score for this variant resulted in a classification of benign for this disease.

Eurofins Ntd Llc (ga)
Classification: Benign. Last evaluated: 2015-12-02. Review status: criteria provided, single submitter. Criteria: EGL Classification Definitions 2015. Collection method: clinical testing. Allele origin: germline. Observed: 9 variant alleles, 6 heterozygotes, 3 homozygotes.

GeneDx
Classification: Benign. Last evaluated: 2015-03-03. Review status: criteria provided, single submitter. Criteria: GeneDx Variant Classification Process June 2021. Collection method: clinical testing. Allele origin: germline. Affected: yes.

Breakthrough Genomics
Classification: Benign. Review status: criteria provided, single submitter. Criteria: ACMG Guidelines, 2015. Collection method: not provided. Allele origin: germline. Inheritance: Autosomal recessive inheritance. Affected: yes.

PreventionGenetics, part of Exact Sciences
Classification: Benign. Review status: criteria provided, single submitter. Criteria: ACMG Guidelines, 2015. Collection method: clinical testing. Allele origin: germline.

NM_000048.4(ASL):c.602+13C>T

Gene: ASL (argininosuccinate lyase; plus strand). Cytogenetic location: 7q11.21.
Variant type: single nucleotide variant.
Coding change: c.602+13C>T on transcript NM_000048.4 (MANE Select); 13 bases into the intron after coding-DNA position 602, C replaced by T.
Molecular consequence: intron variant.
Genome position (GRCh38, 1-based): chr7:66,086,834, C>T. VCF-style: chr7-66086834-C-T. GRCh37 (hg19) VCF-style: chr7-65551821-C-T.
Other names: c.602+13C>T (NM_001024943.2, NM_001024944.2); c.524+172C>T (NM_001024946.2).
Identifiers: ClinVar variation 92364 (VCV000092364.23), dbSNP rs12536292, ClinGen allele CA145659.